The following is an entry in ClinVar:

NM_017780.4(CHD7):c.152A>G (p.Gln51Arg)

Gene: CHD7 (chromodomain helicase DNA binding protein 7; plus strand). Cytogenetic location: 8q12.2.
Variant type: single nucleotide variant.
Coding change: c.152A>G on transcript NM_017780.4 (MANE Select); coding-DNA position 152, A replaced by G.
Protein change: p.Gln51Arg; replaces glutamine 51 with arginine.
Molecular consequence: missense variant.
Genome position (GRCh38, 1-based): chr8:60,741,584, A>G. VCF-style: chr8-60741584-A-G. GRCh37 (hg19) VCF-style: chr8-61654143-A-G.
Other names: c.152A>G, p.Gln51Arg (NM_001316690.1); short protein forms Q51R.
Identifiers: ClinVar variation 954173 (VCV000954173.9), dbSNP rs1809015487, ClinGen allele CA371296017.

ClinVar aggregate classification (germline): Uncertain significance (1 of 4 stars; one submission).

Conditions:
CHARGE syndrome (CHARGE). Also called: Hittner Hirsch Kreh syndrome; Coloboma, heart anomaly, choanal atresia, retardation, genital and ear anomalies; CHARGE association; Hall-Hittner syndrome; CHARGE ASSOCIATION--COLOBOMA, HEART ANOMALY, CHOANAL ATRESIA, RETARDATION, GENITAL AND EAR ANOMALIES. Identifiers: Orphanet 138, MedGen C0265354, MONDO:0008965.

Allele frequency attached by ClinVar (database versions not stated): gnomAD exomes below 0.00001.
gnomAD v4.1: 1 of 1,613,804 alleles (0.000062%); highest among the groups gnomAD compares: East Asian, 0.0022%; no homozygotes.

Submission:

Labcorp Genetics (formerly Invitae), Labcorp
Classification: Uncertain significance for CHARGE syndrome. Last evaluated: 2022-09-06. Review status: criteria provided, single submitter. Criteria: Invitae Variant Classification Sherloc (09022015). Collection method: clinical testing. Allele origin: germline.
Comment: Advanced modeling of protein sequence and biophysical properties (such as structural, functional, and spatial information, amino acid conservation, physicochemical variation, residue mobility, and thermodynamic stability) performed at Invitae indicates that this missense variant is not expected to disrupt CHD7 protein function. In summary, the available evidence is currently insufficient to determine the role of this variant in disease. Therefore, it has been classified as a Variant of Uncertain Significance. ClinVar contains an entry for this variant (Variation ID: 954173). This variant has not been reported in the literature in individuals affected with CHD7-related conditions. This variant is not present in population databases (gnomAD no frequency). This sequence change replaces glutamine, which is neutral and polar, with arginine, which is basic and polar, at codon 51 of the CHD7 protein (p.Gln51Arg).